The following is an entry in ClinVar:

NM_004168.4(SDHA):c.1438A>G (p.Lys480Glu)

Gene: SDHA (succinate dehydrogenase complex flavoprotein subunit A; plus strand). Cytogenetic location: 5p15.33.
Variant type: single nucleotide variant.
Coding change: c.1438A>G on transcript NM_004168.4 (MANE Select); coding-DNA position 1438, A replaced by G.
Protein change: p.Lys480Glu; replaces lysine 480 with glutamic acid.
Molecular consequence: missense variant.
Genome position (GRCh38, 1-based): chr5:240,363, A>G. VCF-style: chr5-240363-A-G. GRCh37 (hg19) VCF-style: chr5-240478-A-G.
Other names: c.1294A>G, p.Lys432Glu (NM_001294332.2); c.1438A>G, p.Lys480Glu (NM_001330758.2); short protein forms K432E, K480E.
Identifiers: ClinVar variation 819212 (VCV000819212.15), dbSNP rs1579417444, ClinGen allele CA359014166.
Genomic context (GRCh38, chr5:240,363, plus strand): 5'-TTTGGTTTTTTAAAACGGTTTTCAAAAGTTAAATTCTAGCTTTTTTTTGTTTTAGGAGAT[A>G]AAGTCCCTCCAATTAAACCAAACGCTGGGGAAGAATCTGTCATGAATCTTGACAAATTGA-3'
Protein context (NP_004159.2, residues 470-490): SIEESCRPGD[Lys480Glu]VPPIKPNAGE

ClinVar aggregate classification (germline): Uncertain significance. Review status: criteria provided, multiple submitters, no conflicts (2 of 4 stars). 2 submissions from 2 submitters: Uncertain significance (2). Last evaluated 2025-03-09.

Conditions:
Pheochromocytoma/paraganglioma syndrome 5. Also called: Paragangliomas 5; SDHA-Related Hereditary Paraganglioma-Pheochromocytoma Syndrome. Identifiers: Orphanet 29072, MedGen C3279992, MONDO:0013602, OMIM 614165.
Mitochondrial complex II deficiency, nuclear type 1. Also called: SUCCINATE CoQ REDUCTASE DEFICIENCY. Identifiers: Orphanet 3208, MedGen C5700310, MONDO:0100294, OMIM 252011.
Hereditary cancer-predisposing syndrome. Also called: Tumor predisposition; Hereditary neoplastic syndrome; Neoplastic Syndromes, Hereditary; Hereditary Cancer Syndrome. Identifiers: Orphanet 140162, MedGen C0027672, MeSH D009386, MONDO:0015356.

Allele frequency attached by ClinVar (database versions not stated): gnomAD exomes below 0.00001.
gnomAD v4.1: 3 of 1,584,440 alleles (0.00019%); highest among the groups gnomAD compares: Non-Finnish European, 0.00026%; no homozygotes.

Submissions (2):

Labcorp Genetics (formerly Invitae), Labcorp
Classification: Uncertain significance for Pheochromocytoma/paraganglioma syndrome 5; Mitochondrial complex II deficiency, nuclear type 1. Last evaluated: 2025-03-09. Review status: criteria provided, single submitter. Criteria: Invitae Variant Classification Sherloc (09022015). Collection method: clinical testing. Allele origin: germline.
Comment: This sequence change replaces lysine, which is basic and polar, with glutamic acid, which is acidic and polar, at codon 480 of the SDHA protein (p.Lys480Glu). This variant is not present in population databases (gnomAD no frequency). This variant has not been reported in the literature in individuals affected with SDHA-related conditions. ClinVar contains an entry for this variant (Variation ID: 819212). Invitae Evidence Modeling of protein sequence and biophysical properties (such as structural, functional, and spatial information, amino acid conservation, physicochemical variation, residue mobility, and thermodynamic stability) indicates that this missense variant is not expected to disrupt SDHA protein function with a negative predictive value of 95%. In summary, the available evidence is currently insufficient to determine the role of this variant in disease. Therefore, it has been classified as a Variant of Uncertain Significance.

Ambry Genetics
Classification: Uncertain significance for Hereditary cancer-predisposing syndrome. Last evaluated: 2025-01-21. Review status: criteria provided, single submitter. Criteria: Ambry Variant Classification Scheme 2023. Collection method: clinical testing. Allele origin: germline.
Comment: The p.K480E variant (also known as c.1438A>G), located in coding exon 11 of the SDHA gene, results from an A to G substitution at nucleotide position 1438. The lysine at codon 480 is replaced by glutamic acid, an amino acid with similar properties. This amino acid position is not well conserved in available vertebrate species. In addition, this alteration is predicted to be tolerated by in silico analysis. Based on the available evidence, the clinical significance of this variant remains unclear.